The following is an entry in ClinVar:

ClinVar aggregate classification (germline): Uncertain significance (1 of 4 stars; one submission).

Conditions:
Primary ciliary dyskinesia. Also called: Ciliary dyskinesia. Identifiers: Orphanet 244, MedGen C0008780, MONDO:0016575, HP:0012265.

Submission:

Ambry Genetics
Classification: Uncertain significance for Primary ciliary dyskinesia. Last evaluated: 2025-06-15. Review status: criteria provided, single submitter. Criteria: Ambry Variant Classification Scheme 2023. Collection method: clinical testing. Allele origin: germline.
Comment: The p.P169S variant (also known as c.505C>T), located in coding exon 3 of the DNAH11 gene, results from a C to T substitution at nucleotide position 505. The proline at codon 169 is replaced by serine, an amino acid with similar properties. This amino acid position is conserved. In addition, this alteration is predicted to be tolerated by in silico analysis. Based on the available evidence, the clinical significance of this variant remains unclear.

NM_001277115.2(DNAH11):c.505C>T (p.Pro169Ser)

Gene: DNAH11 (dynein axonemal heavy chain 11; plus strand). Cytogenetic location: 7p15.3.
Variant type: single nucleotide variant.
Coding change: c.505C>T on transcript NM_001277115.2 (MANE Select); coding-DNA position 505, C replaced by T.
Protein change: p.Pro169Ser; replaces proline 169 with serine.
Molecular consequence: missense variant.
Genome position (GRCh38, 1-based): chr7:21,558,811, C>T. VCF-style: chr7-21558811-C-T. GRCh37 (hg19) VCF-style: chr7-21598429-C-T.
Other names: short protein forms P169S.
Identifiers: ClinVar variation 4241992 (VCV004241992.1).
Genomic context (GRCh38, chr7:21,558,811, plus strand): 5'-GAAGGAATGCATTGTCTGTAAATTAATTTAACTATGTTTCTCTTTCTCTAGATTTTAGTG[C>T]CAGTTCTTTCTAATAAGAACAACCATAAGTCCTGGTCCTGTTTTACTTCACAAGATATGG-3'
Protein context (NP_001264044.1, residues 159-179): VSAFLDEILV[Pro169Ser]VLSNKNNHKS